The following is an entry in ClinVar:

NM_001283009.2(RTEL1):c.1546G>A (p.Val516Ile)

Genes: RTEL1 (regulator of telomere elongation helicase 1; plus strand), RTEL1-TNFRSF6B (RTEL1-TNFRSF6B readthrough (NMD candidate); plus strand). Cytogenetic location: 20q13.33.
Variant type: single nucleotide variant.
Coding change: c.1546G>A on transcript NM_001283009.2 (MANE Select); coding-DNA position 1546, G replaced by A.
Protein change: p.Val516Ile; replaces valine 516 with isoleucine.
Molecular consequence: missense variant. On other transcripts: non-coding transcript variant (1).
Genome position (GRCh38, 1-based): chr20:63,688,001, G>A. VCF-style: chr20-63688001-G-A. GRCh37 (hg19) VCF-style: chr20-62319354-G-A.
Other names: c.877G>A, p.Val293Ile (NM_001283010.1); c.1546G>A, p.Val516Ile (NM_016434.4); c.1618G>A, p.Val540Ile (NM_032957.5); short protein forms V293I, V516I, V540I.
Identifiers: ClinVar variation 1365906 (VCV001365906.8), dbSNP rs748223349, ClinGen allele CA9964836.

ClinVar aggregate classification (germline): Uncertain significance. Review status: criteria provided, multiple submitters, no conflicts (2 of 4 stars). 2 submissions from 2 submitters: Uncertain significance (2). Last evaluated 2025-07-29.

Conditions:
Pulmonary fibrosis and/or bone marrow failure, Telomere-related, 3. Also called: PULMONARY FIBROSIS AND/OR BONE MARROW FAILURE SYNDROME, TELOMERE-RELATED, 3. Identifiers: Orphanet 2032, MedGen C4225346, MONDO:0014613, OMIM 616373.
Dyskeratosis congenita, autosomal recessive 5 (DKCB5). Identifiers: MedGen C3554656, MONDO:0014076, OMIM 615190.

Allele frequency attached by ClinVar (database versions not stated): gnomAD exomes 0.00002; ExAC 0.00001; gnomAD 0.00001.
gnomAD v4.1: 26 of 1,612,658 alleles (0.0016%); highest among the groups gnomAD compares: Admixed American, 0.0033%; no homozygotes.

Submissions (2):

Labcorp Genetics (formerly Invitae), Labcorp
Classification: Uncertain significance for Dyskeratosis congenita, autosomal recessive 5; Pulmonary fibrosis and/or bone marrow failure, Telomere-related, 3. Last evaluated: 2025-07-29. Review status: criteria provided, single submitter. Criteria: Invitae Variant Classification Sherloc (09022015). Collection method: clinical testing. Allele origin: germline.
Comment: This sequence change replaces valine, which is neutral and non-polar, with isoleucine, which is neutral and non-polar, at codon 516 of the RTEL1 protein (p.Val516Ile). This variant is present in population databases (rs748223349, gnomAD 0.009%). This variant has not been reported in the literature in individuals affected with RTEL1-related conditions. ClinVar contains an entry for this variant (Variation ID: 1365906). An algorithm developed to predict the effect of missense changes on protein structure and function outputs the following: PolyPhen-2: "Benign". The isoleucine amino acid residue is found in multiple mammalian species, which suggests that this missense change does not adversely affect protein function. In summary, the available evidence is currently insufficient to determine the role of this variant in disease. Therefore, it has been classified as a Variant of Uncertain Significance.

Breakthrough Genomics
Classification: Uncertain significance. Review status: criteria provided, single submitter. Criteria: ACMG Guidelines, 2015. Collection method: not provided. Allele origin: germline. Inheritance: Autosomal dominant inheritance. Affected: yes.